The following is an entry in ClinVar:

ClinVar aggregate classification (germline): Uncertain significance (1 of 4 stars; one submission).

Conditions:
Hypertrophic cardiomyopathy. Also called: HYPERTROPHIC MYOCARDIOPATHY. Identifiers: Orphanet 217569, MedGen C0007194, MeSH D002312, MONDO:0005045, HP:0001639.

Submission:

Labcorp Genetics (formerly Invitae), Labcorp
Classification: Uncertain significance for Hypertrophic cardiomyopathy. Last evaluated: 2024-04-22. Review status: criteria provided, single submitter. Criteria: Invitae Variant Classification Sherloc (09022015). Collection method: clinical testing. Allele origin: germline.
Comment: This sequence change replaces serine, which is neutral and polar, with cysteine, which is neutral and slightly polar, at codon 406 of the MYBPC3 protein (p.Ser406Cys). This variant is not present in population databases (gnomAD no frequency). This variant has not been reported in the literature in individuals affected with MYBPC3-related conditions. ClinVar contains an entry for this variant (Variation ID: 1483553). An algorithm developed to predict the effect of missense changes on protein structure and function (PolyPhen-2) suggests that this variant is likely to be disruptive. In summary, the available evidence is currently insufficient to determine the role of this variant in disease. Therefore, it has been classified as a Variant of Uncertain Significance.

NM_000256.3(MYBPC3):c.1216A>T (p.Ser406Cys)

Gene: MYBPC3 (myosin binding protein C3; minus strand). Cytogenetic location: 11p11.2.
Variant type: single nucleotide variant.
Coding change: c.1216A>T on transcript NM_000256.3 (MANE Select); coding-DNA position 1216, A replaced by T.
Protein change: p.Ser406Cys; replaces serine 406 with cysteine.
Molecular consequence: missense variant.
Genome position (GRCh38, 1-based): chr11:47,343,499, T>A on the plus strand (A>T on the coding strand, the complement: MYBPC3 is on the minus strand). VCF-style: chr11-47343499-T-A. GRCh37 (hg19) VCF-style: chr11-47365050-T-A.
Other names: short protein forms S406C.
Identifiers: ClinVar variation 1483553 (VCV001483553.8), dbSNP rs2142862180, ClinGen allele CA380328473.